The following is an entry in ClinVar:

NM_000144.5(FXN):c.323_324delinsTT (p.Glu108Val)

Gene: FXN (frataxin; plus strand). Cytogenetic location: 9q21.11.
Variant type: Indel.
Coding change: c.323_324delinsTT on transcript NM_000144.5 (MANE Select); coding-DNA positions 323 to 324, AG replaced by TT.
Protein change: p.Glu108Val; replaces glutamic acid 108 with valine.
Molecular consequence: missense variant.
Genome position (GRCh38, 1-based): chr9:69,053,199-69,053,200, AG replaced by TT. VCF-style: chr9-69053199-AG-TT. GRCh37 (hg19) VCF-style: chr9-71668115-AG-TT.
Other names: c.323_324delinsTT, p.Glu108Val (NM_181425.3); c.323_324delAGinsTT (NM_000144.4); short protein forms E108V.
Identifiers: ClinVar variation 804819 (VCV000804819.3), dbSNP rs1587821826, ClinGen allele CA915947497.

ClinVar aggregate classification (germline): Uncertain significance. Review status: criteria provided, multiple submitters, no conflicts (2 of 4 stars). 2 submissions from 2 submitters: Uncertain significance (2). Last evaluated 2018-11-01.

Conditions:
Inborn genetic diseases. Identifiers: MedGen C0950123, MeSH D030342.

Submissions (2):

Ambry Genetics
Classification: Uncertain significance for Inborn genetic diseases. Last evaluated: 2018-11-01. Review status: criteria provided, single submitter. Criteria: Ambry Variant Classification Scheme 2023. Collection method: clinical testing. Allele origin: germline.
Comment: The c.323_324delAGinsTT variant (also known as p.P108V), located in coding exon 3 of the FXN gene, results from an in-frame deletion of AG and insertion of TT at nucleotide positions 323 to 324. This results in the substitution of the glutamic acid residue for a valine residue at codon 108, an amino acid with dissimilar properties. This amino acid position is well conserved in available vertebrate species. Since supporting evidence is limited at this time, the clinical significance of this alteration remains unclear.

Athena Diagnostics
Classification: Uncertain significance. Last evaluated: 2018-09-04. Review status: criteria provided, single submitter. Criteria: Athena Diagnostics Criteria. Collection method: clinical testing. Allele origin: germline.